The following is an entry in ClinVar:

NM_001267550.2(TTN):c.29041+281C>G

Gene: TTN (titin; minus strand). Cytogenetic location: 2q31.2.
Variant type: single nucleotide variant.
Coding change: c.29041+281C>G on transcript NM_001267550.2 (MANE Select); 281 bases into the intron after coding-DNA position 29041, C replaced by G.
Molecular consequence: intron variant.
Genome position (GRCh38, 1-based): chr2:178,707,245, G>C on the plus strand (C>G on the coding strand, the complement: TTN is on the minus strand). VCF-style: chr2-178707245-G-C. GRCh37 (hg19) VCF-style: chr2-179571972-G-C.
Other names: c.13282+30837C>G (NM_003319.4); c.13858+30837C>G (NM_133437.4); c.13657+30837C>G (NM_133432.3); c.25309+281C>G (NM_133378.4); c.28090+281C>G (NM_001256850.1).
Identifiers: ClinVar variation 680826 (VCV000680826.1), dbSNP rs2742339, ClinGen allele CA11203795.
Genomic context (GRCh38, chr2:178,707,245, plus strand): 5'-GACTTGGTTTTATTTTTTCCAGGTGTATCACAACAGCCTACTTTCTATCGCATTATTATA[G>C]CATCATTTTTGGAACTGCGTTAATTACATCTTAATGGATATGGTGAAAAGAAGTTCAAGA-3'

ClinVar aggregate classification (germline): Benign (1 of 4 stars; one submission).

Allele frequency attached by ClinVar (database versions not stated): gnomAD 0.02400 and 0.02583; TOPMed 0.02574; 1000 Genomes Project 30x 0.04716; 1000 Genomes Project 0.05092.
gnomAD v4.1: 3,933 of 152,214 alleles (2.6%); highest among the groups gnomAD compares: East Asian, 19%; 148 homozygotes.

Submission:

GeneDx
Classification: Benign. Last evaluated: 2018-06-14. Review status: criteria provided, single submitter. Criteria: GeneDx Variant Classification (06012015). Collection method: clinical testing. Allele origin: germline. Affected: yes.
Comment: This variant is considered likely benign or benign based on one or more of the following criteria: it is a conservative change, it occurs at a poorly conserved position in the protein, it is predicted to be benign by multiple in silico algorithms, and/or has population frequency not consistent with disease.